The following is an entry in ClinVar:

ClinVar aggregate classification (germline): Benign/Likely benign. Review status: criteria provided, multiple submitters, no conflicts (2 of 4 stars). 3 submissions from 3 submitters: Benign (1); Likely benign (2). Last evaluated 2025-07-16.

Conditions:
Papillary renal cell carcinoma type 1 (RCCP1). Also called: Renal adenocarcinoma; Renal cell carcinoma 1; Renal cell carcinoma, somatic; RENAL CELL CARCINOMA, PAPILLARY, 1, SOMATIC. Identifiers: Orphanet 47044, MedGen C1336839, OMIM 605074, HP:0011797.
Renal cell carcinoma. Identifiers: Orphanet 217071, MedGen C0007134, MeSH D002292, MONDO:0005086, HP:0005584.
Hereditary cancer-predisposing syndrome. Also called: Tumor predisposition; Neoplastic Syndromes, Hereditary; Hereditary Cancer Syndrome; Hereditary neoplastic syndrome. Identifiers: Orphanet 140162, MedGen C0027672, MeSH D009386, MONDO:0015356.

Submissions (3):

Labcorp Genetics (formerly Invitae), Labcorp
Classification: Likely benign for Renal cell carcinoma. Last evaluated: 2025-07-16. Review status: criteria provided, single submitter. Criteria: Invitae Variant Classification Sherloc (09022015). Collection method: clinical testing. Allele origin: germline.

Myriad Genetics, Inc.
Classification: Benign for Papillary renal cell carcinoma type 1. Last evaluated: 2024-11-13. Review status: criteria provided, single submitter. Criteria: Myriad Autosomal Dominant, Autosomal Recessive and X-Linked Classification Criteria (2023). Collection method: clinical testing. Allele origin: unknown.
Comment: This variant is considered benign. This variant is a silent/synonymous amino acid change and it is not expected to impact splicing.

Ambry Genetics
Classification: Likely benign for Hereditary cancer-predisposing syndrome. Last evaluated: 2021-01-19. Review status: criteria provided, single submitter. Criteria: Ambry Variant Classification Scheme 2023. Collection method: clinical testing. Allele origin: germline.

NM_000245.4(MET):c.3531T>G (p.Thr1177=)

Gene: MET (MET proto-oncogene, receptor tyrosine kinase; plus strand). Cytogenetic location: 7q31.2.
Variant type: single nucleotide variant.
Coding change: c.3531T>G on transcript NM_000245.4 (MANE Select); coding-DNA position 3531, T replaced by G.
Protein change: p.Thr1177=; no amino-acid change (threonine 1177 retained).
Molecular consequence: synonymous variant.
Genome position (GRCh38, 1-based): chr7:116,781,996, T>G. VCF-style: chr7-116781996-T-G. GRCh37 (hg19) VCF-style: chr7-116422050-T-G.
Other names: c.3585T>G, p.Thr1195= (NM_001127500.3); c.2241T>G, p.Thr747= (NM_001324402.2).
Identifiers: ClinVar variation 761486 (VCV000761486.14), dbSNP rs1584964218, ClinGen allele CA457219264.